The following is an entry in ClinVar:

NM_001080414.4(CCDC88C):c.5308C>T (p.Gln1770Ter)

Gene: CCDC88C (coiled-coil and HOOK domain protein 88C; minus strand). Cytogenetic location: 14q32.11.
Variant type: single nucleotide variant.
Coding change: c.5308C>T on transcript NM_001080414.4 (MANE Select); coding-DNA position 5308, C replaced by T.
Protein change: p.Gln1770Ter; replaces glutamine 1770 with a stop codon.
Molecular consequence: nonsense.
Genome position (GRCh38, 1-based): chr14:91,273,404, G>A on the plus strand (C>T on the coding strand, the complement: CCDC88C is on the minus strand). VCF-style: chr14-91273404-G-A. GRCh37 (hg19) VCF-style: chr14-91739748-G-A.
Other names: short protein forms Q1770*.
Identifiers: ClinVar variation 2829133 (VCV002829133.3), dbSNP rs2544240590, ClinGen allele CA390610136.

ClinVar aggregate classification (germline): Pathogenic (1 of 4 stars; one submission).

Submission:

Labcorp Genetics (formerly Invitae), Labcorp
Classification: Pathogenic. Last evaluated: 2023-01-18. Review status: criteria provided, single submitter. Criteria: Invitae Variant Classification Sherloc (09022015). Collection method: clinical testing. Allele origin: germline.
Comment: This variant has not been reported in the literature in individuals affected with CCDC88C-related conditions. This variant is not present in population databases (gnomAD no frequency). This sequence change creates a premature translational stop signal (p.Gln1770*) in the CCDC88C gene. While this is not anticipated to result in nonsense mediated decay, it is expected to disrupt the last 259 amino acid(s) of the CCDC88C protein. For these reasons, this variant has been classified as Pathogenic. This variant disrupts a region of the CCDC88C protein in which other variant(s) (p.Glu1949Glyfs*26) have been determined to be pathogenic (PMID: 23042809). This suggests that this is a clinically significant region of the protein, and that variants that disrupt it are likely to be disease-causing.

Literature cited by the submitters: PubMed 23042809.